The following is an entry in ClinVar:

NM_001165963.4(SCN1A):c.4455_4460del (p.Phe1486_Asn1487del)

Genes: SCN1A (sodium voltage-gated channel alpha subunit 1; minus strand), LOC102724058 (uncharacterized LOC102724058; plus strand). Cytogenetic location: 2q24.3.
Variant type: Deletion.
Coding change: c.4455_4460del on transcript NM_001165963.4 (MANE Select); coding-DNA positions 4455 to 4460, 6 bases deleted (TTTCAA; older notation c.4455_4460delTTTCAA).
Protein change: p.Phe1486_Asn1487del.
Molecular consequence: inframe deletion. On other transcripts: non-coding transcript variant (1).
Genome position (GRCh38, 1-based): chr2:165,998,054-165,998,059, TTGAAA deleted on the plus strand (TTTCAA on the coding strand, the reverse complement: SCN1A is on the minus strand); deleting any 6 consecutive bases within chr2:165,998,054-165,998,061 gives the same sequence; the c. name uses the placement nearest the transcript's 3' end. VCF-style (leftmost placement, unchanged base first): chr2-165998053-GTTGAAA-G. GRCh37 (hg19) VCF-style: chr2-166854563-GTTGAAA-G.
Other names: c.4371_4376del, p.Phe1458_Asn1459del (NM_001165964.3, NM_001353957.2, NM_001353958.2); c.4455_4460del, p.Phe1486_Asn1487del (NM_001202435.3, NM_001353948.2); c.4422_4427del, p.Phe1475_Asn1476del (NM_001353949.2, NM_001353950.2, NM_001353951.2 and 2 more transcripts); c.4419_4424del, p.Phe1474_Asn1475del (NM_001353954.2, NM_001353955.2); c.4368_4373del, p.Phe1457_Asn1458del (NM_001353960.2); c.2013_2018del, p.Phe672_Asn673del (NM_001353961.2).
Identifiers: ClinVar variation 4719344 (VCV004719344.1).
Genomic context (GRCh38, chr2:165,998,053, plus strand): 5'-ATAATTTTCTATCTCAGTGGGAGAGAAAATATTAGAAATACTTATCTTCTTTTTCTGCTG[GTTGAAA>G]TTATCTATGATGACACCAATAAACAGGTTCAAGGTGAAGAAGGACCCAAAGATGATGAAA-3'

ClinVar aggregate classification (germline): Pathogenic (1 of 4 stars; one submission).

Conditions:
Early-infantile DEE. Also called: Ohtahara syndrome; Early infantile epileptic encephalopathy with suppression bursts; Early infantile epileptic encephalopathy. Identifiers: Orphanet 1934, MedGen C0393706, MONDO:0800491.

Submission:

Labcorp Genetics (formerly Invitae), Labcorp
Classification: Pathogenic for Early-infantile DEE. Last evaluated: 2025-05-11. Review status: criteria provided, single submitter. Criteria: Invitae Variant Classification Sherloc (09022015). Collection method: clinical testing. Allele origin: germline.
Comment: This variant, c.4455_4460del, results in the deletion of 2 amino acid(s) of the SCN1A protein (p.Phe1486_Asn1487del), but otherwise preserves the integrity of the reading frame. This variant is not present in population databases (gnomAD no frequency). This variant has not been reported in the literature in individuals affected with SCN1A-related conditions. This variant disrupts a region of the SCN1A protein in which other variant(s) (p.Phe1486Val) have been determined to be pathogenic (PMID: 30008475). This suggests that this is a clinically significant region of the protein, and that variants that disrupt it are likely to be disease-causing. For these reasons, this variant has been classified as Pathogenic.

Literature cited by the submitters: PubMed 30008475.